The following is an entry in ClinVar:

ClinVar aggregate classification (germline): Benign/Likely benign. Review status: criteria provided, multiple submitters, no conflicts (2 of 4 stars). 17 submissions from 16 submitters: Benign (8); Likely benign (6). 3 of the submissions do not count toward it. Last evaluated 2026-08-01.

Conditions:
Basal cell nevus syndrome 1 (BCNS1). Also called: MULTIPLE BASAL CELL NEVI, ODONTOGENIC KERATOCYSTS, AND SKELETAL ANOMALIES; GORLIN-GOLTZ SYNDROME. Identifiers: MedGen CN376810, MONDO:0958174, OMIM 109400.
Holoprosencephaly 7 (HPE7). Identifiers: Orphanet 2162, MedGen C1835820, MONDO:0012562, OMIM 610828.
Basal cell carcinoma, susceptibility to, 1. Also called: BCC1. Identifiers: MedGen C2751544, MONDO:0011556, OMIM 605462.
Hereditary cancer-predisposing syndrome. Also called: Neoplastic Syndromes, Hereditary; Tumor predisposition; Hereditary neoplastic syndrome; Hereditary Cancer Syndrome. Identifiers: Orphanet 140162, MedGen C0027672, MeSH D009386, MONDO:0015356.
Gorlin syndrome. Also called: Nevoid Basal Cell Carcinoma Syndrome; Basal cell nevus syndrome. Identifiers: Orphanet 377, MedGen C0004779, MONDO:0007187.

Allele frequency attached by ClinVar (database versions not stated): gnomAD 0.00051 and 0.00066; TOPMed 0.00060; ESP Exome Variant Server 0.00062; 1000 Genomes Project 30x 0.00078; 1000 Genomes Project 0.00100; gnomAD exomes 0.00142; ExAC 0.00145.
gnomAD v4.1: 1,522 of 1,613,274 alleles (0.094%); highest among the groups gnomAD compares: South Asian, 0.55%; 7 homozygotes.

Submissions (17):

CeGaT Center for Human Genetics Tuebingen
Classification: Likely benign. Last evaluated: 2026-08-01. Review status: criteria provided, single submitter. Criteria: CeGaT Center For Human Genetics Tuebingen Variant Classification Criteria Version 2. Collection method: clinical testing. Allele origin: germline. Affected: yes. Observed: 19 variant alleles.
Comment: PTCH1: BP4, BP7, BS1

Labcorp Genetics (formerly Invitae), Labcorp
Classification: Benign for Gorlin syndrome. Last evaluated: 2026-02-03. Review status: criteria provided, single submitter. Criteria: Invitae Variant Classification Sherloc (09022015). Collection method: clinical testing. Allele origin: germline.

Quest Diagnostics Nichols Institute San Juan Capistrano
Classification: Benign. Last evaluated: 2025-09-15. Review status: criteria provided, single submitter. Criteria: Quest Diagnostics criteria. Collection method: clinical testing. Allele origin: unknown.

Center for Genomic Medicine, Rigshospitalet, Copenhagen University Hospital
Classification: Likely benign. Last evaluated: 2025-03-04. Review status: criteria provided, single submitter. Criteria: ACMG Guidelines, 2015. Collection method: clinical testing. Allele origin: germline.

Blueprint Genetics
Classification: Likely benign. Last evaluated: 2024-11-25. Review status: criteria provided, single submitter. Criteria: ACMG Guidelines, 2015. Collection method: clinical testing. Allele origin: germline.

Department of Pathology and Laboratory Medicine, Sinai Health System
Classification: Benign for Basal cell nevus syndrome 1; Basal cell carcinoma, susceptibility to, 1; Holoprosencephaly 7. Last evaluated: 2023-10-05. Review status: criteria provided, single submitter. Criteria: ACMG Guidelines, 2015. Collection method: clinical testing. Allele origin: germline. Affected: yes.

KCCC/NGS Laboratory, Kuwait Cancer Control Center
Classification: Benign for Basal cell nevus syndrome 1. Last evaluated: 2023-07-07. Review status: criteria provided, single submitter. Criteria: ACMG Guidelines, 2015. Collection method: clinical testing. Allele origin: germline. Affected: yes.

Sema4
Classification: Likely benign for Hereditary cancer-predisposing syndrome. Last evaluated: 2021-06-14. Review status: criteria provided, single submitter. Criteria: Sema4 Curation Guidelines. Collection method: curation. Allele origin: germline.

Women's Health and Genetics/Laboratory Corporation of America, LabCorp
Classification: Benign. Last evaluated: 2018-11-05. Review status: criteria provided, single submitter. Criteria: LabCorp Variant Classification Summary - May 2015. Collection method: clinical testing. Allele origin: germline.
Comment: Variant summary: PTCH1 c.4128C>T alters a non-conserved nucleotide resulting in a synonymous change. 5/5 computational tools predict no significant impact on normal splicing. However, these predictions have yet to be confirmed by functional studies. The variant allele was found at a frequency of 0.0013 in 273300 control chromosomes, predominantly at a frequency of 0.0056 within the South Asian subpopulation in the gnomAD database, including 1 homozygotes. The observed variant frequency within South Asian control individuals in the gnomAD database is approximately 327-fold of the estimated maximal expected allele frequency for a pathogenic variant in PTCH1 causing Nevoid Basal Cell Carcinoma Syndrome (Gorlin Syndrome) phenotype (1.7e-05), strongly suggesting that the variant is a benign polymorphism found primarily in populations of South Asian origin. To our knowledge, no occurrence of c.4128C>T in individuals affected with Nevoid Basal Cell Carcinoma Syndrome (Gorlin Syndrome) and no experimental evidence demonstrating its impact on protein function have been reported. Four clinical diagnostic laboratories have submitted clinical-significance assessments for this variant to ClinVar after 2014 without evidence for independent evaluation. All laboratories classified the variant as benign/likely benign. Based on the evidence outlined above, the variant was classified as benign.

Illumina Laboratory Services, Illumina
Classification: Benign for Basal cell nevus syndrome 1. Last evaluated: 2018-01-13. Review status: criteria provided, single submitter. Criteria: ICSL Variant Classification Criteria 13 December 2019. Collection method: clinical testing. Allele origin: germline.
Comment: This variant was observed in the ICSL laboratory as part of a predisposition screen in an ostensibly healthy population. It had not been previously curated by ICSL or reported in the Human Gene Mutation Database (HGMD: prior to June 1st, 2018), and was therefore a candidate for classification through an automated scoring system. Utilizing variant allele frequency, disease prevalence and penetrance estimates, and inheritance mode, an automated score was calculated to assess if this variant is too frequent to cause the disease. Based on the score and internal cut-off values, a variant classified as benign is not then subjected to further curation. The score for this variant resulted in a classification of benign for this disease.

Illumina Laboratory Services, Illumina
Classification: Benign for Holoprosencephaly 7. Last evaluated: 2018-01-13. Review status: criteria provided, single submitter. Criteria: ICSL Variant Classification Criteria 13 December 2019. Collection method: clinical testing. Allele origin: germline.
Comment: the same text as in the submission from Illumina Laboratory Services, Illumina above.

Ambry Genetics
Classification: Likely benign for Hereditary cancer-predisposing syndrome. Last evaluated: 2017-03-28. Review status: criteria provided, single submitter. Criteria: Ambry Variant Classification Scheme 2023. Collection method: clinical testing. Allele origin: germline.

GeneDx
Classification: Benign. Last evaluated: 2016-02-19. Review status: criteria provided, single submitter. Criteria: GeneDx Variant Classification (06012015). Collection method: clinical testing. Allele origin: germline. Affected: yes.
Comment: This variant is considered likely benign or benign based on one or more of the following criteria: it is a conservative change, it occurs at a poorly conserved position in the protein, it is predicted to be benign by multiple in silico algorithms, and/or has population frequency not consistent with disease.

Breakthrough Genomics
Classification: Likely benign. Review status: criteria provided, single submitter. Criteria: ACMG Guidelines, 2015. Collection method: not provided. Allele origin: germline. Inheritance: Autosomal dominant inheritance. Affected: yes.

Clinical Genetics DNA and cytogenetics Diagnostics Lab, Erasmus MC, Erasmus Medical Center
Classification: Likely benign. Review status: no assertion criteria provided. Collection method: clinical testing. Allele origin: germline. Affected: yes. Study: VKGL Data-share Consensus. Not counted in ClinVar's aggregate classification.

Diagnostic Laboratory, Department of Genetics, University Medical Center Groningen
Classification: Likely benign. Review status: no assertion criteria provided. Collection method: clinical testing. Allele origin: germline. Affected: yes. Study: VKGL Data-share Consensus. Not counted in ClinVar's aggregate classification.

Genome Diagnostics Laboratory, Amsterdam University Medical Center
Classification: Benign. Review status: no assertion criteria provided. Collection method: clinical testing. Allele origin: germline. Affected: yes. Study: VKGL Data-share Consensus. Not counted in ClinVar's aggregate classification.

NM_000264.5(PTCH1):c.4128C>T (p.Ser1376=)

Gene: PTCH1 (patched 1; minus strand). Cytogenetic location: 9q22.32.
Variant type: single nucleotide variant.
Coding change: c.4128C>T on transcript NM_000264.5 (MANE Select); coding-DNA position 4128, C replaced by T.
Protein change: p.Ser1376=; no amino-acid change (serine 1376 retained).
Molecular consequence: synonymous variant. On other transcripts: non-coding transcript variant (1).
Genome position (GRCh38, 1-based): chr9:95,447,128, G>A on the plus strand (C>T on the coding strand, the complement: PTCH1 is on the minus strand). VCF-style: chr9-95447128-G-A. GRCh37 (hg19) VCF-style: chr9-98209410-G-A.
Other names: c.3930C>T, p.Ser1310= (NM_001083602.3); c.4125C>T, p.Ser1375= (NM_001083603.3); c.3675C>T, p.Ser1225= (NM_001083604.3, NM_001083605.3, NM_001083606.3 and 1 more transcripts); c.3972C>T, p.Ser1324= (NM_001354918.2).
Identifiers: ClinVar variation 135898 (VCV000135898.57), dbSNP rs142148876, ClinGen allele CA332559.